The following is an entry in ClinVar:

ClinVar aggregate classification (germline): Uncertain significance. Review status: criteria provided, multiple submitters, no conflicts (2 of 4 stars). 4 submissions from 4 submitters: Uncertain significance (4). Last evaluated 2025-12-17.

Conditions:
Fanconi anemia (FA). Also called: Fanconi's anemia. Identifiers: Orphanet 84, MedGen C0015625, MeSH D005199, MONDO:0019391.

Allele frequency attached by ClinVar (database versions not stated): gnomAD exomes 0.00002; ExAC 0.00003; TOPMed 0.00004; gnomAD 0.00005 and 0.00006.
gnomAD v4.1: 95 of 1,613,668 alleles (0.0059%); highest among the groups gnomAD compares: Non-Finnish European, 0.0078%; no homozygotes.

Submissions (4):

Mayo Clinic Laboratories, Mayo Clinic
Classification: Uncertain significance. Last evaluated: 2025-12-17. Review status: criteria provided, single submitter. Criteria: ACMG Guidelines, 2015. Collection method: clinical testing. Allele origin: germline. Observed: 1 variant allele.
Comment: BP4_strong

Labcorp Genetics (formerly Invitae), Labcorp
Classification: Uncertain significance for Fanconi anemia. Last evaluated: 2025-05-19. Review status: criteria provided, single submitter. Criteria: Invitae Variant Classification Sherloc (09022015). Collection method: clinical testing. Allele origin: germline.
Comment: This sequence change replaces threonine, which is neutral and polar, with serine, which is neutral and polar, at codon 1924 of the FANCM protein (p.Thr1924Ser). This variant is present in population databases (rs747103379, gnomAD 0.005%). This variant has not been reported in the literature in individuals affected with FANCM-related conditions. ClinVar contains an entry for this variant (Variation ID: 950711). An algorithm developed to predict the effect of missense changes on protein structure and function outputs the following: PolyPhen-2: "Benign". The serine amino acid residue is found in multiple mammalian species, which suggests that this missense change does not adversely affect protein function. In summary, the available evidence is currently insufficient to determine the role of this variant in disease. Therefore, it has been classified as a Variant of Uncertain Significance.

Quest Diagnostics Nichols Institute San Juan Capistrano
Classification: Uncertain significance. Last evaluated: 2024-03-06. Review status: criteria provided, single submitter. Criteria: Quest Diagnostics criteria. Collection method: clinical testing. Allele origin: unknown.
Comment: The FANCM c.5770A>T (p.Thr1924Ser) variant has been reported in the published literature in individuals with ovarian cancer (PMID: 28881617 (2017)) and breast cancer (PMID: 33471991 (2021), see also LOVD). This variant has also been identified in a reportedly healthy individual (PMID 33471991 (2021), see also LOVD). The frequency of this variant in the general population, 0.000046 (6/129052 chromosomes (Genome Aggregation Database)), is uninformative in the assessment of its pathogenicity. Analysis of this variant using bioinformatics tools for the prediction of the effect of amino acid changes on protein structure and function yielded predictions that this variant is benign. Based on the available information, we are unable to determine the clinical significance of this variant.

GeneDx
Classification: Uncertain significance. Last evaluated: 2021-12-02. Review status: criteria provided, single submitter. Criteria: GeneDx Variant Classification Process June 2021. Collection method: clinical testing. Allele origin: germline. Affected: yes.
Comment: Not observed at a significant frequency in large population cohorts (Lek 2016); In silico analysis supports that this missense variant does not alter protein structure/function; Observed in individuals with ovarian cancer (Dicks 2017); This variant is associated with the following publications: (PMID: 28881617)

Literature cited by the submitters: PubMed 28881617 (cited by Mayo Clinic Laboratories, Mayo Clinic and Quest Diagnostics Nichols Institute San Juan Capistrano); PubMed 33471991 (cited by Mayo Clinic Laboratories, Mayo Clinic and Quest Diagnostics Nichols Institute San Juan Capistrano).

NM_020937.4(FANCM):c.5770A>T (p.Thr1924Ser)

Gene: FANCM (FA complementation group M; plus strand). Cytogenetic location: 14q21.2.
Variant type: single nucleotide variant.
Coding change: c.5770A>T on transcript NM_020937.4 (MANE Select); coding-DNA position 5770, A replaced by T.
Protein change: p.Thr1924Ser; replaces threonine 1924 with serine.
Molecular consequence: missense variant.
Genome position (GRCh38, 1-based): chr14:45,198,697, A>T. VCF-style: chr14-45198697-A-T. GRCh37 (hg19) VCF-style: chr14-45667900-A-T.
Other names: p.Thr1924Ser; c.5692A>T, p.Thr1898Ser (NM_001308133.2); c.5770A>T (NM_020937.3); short protein forms T1898S, T1924S.
Identifiers: ClinVar variation 950711 (VCV000950711.14), dbSNP rs747103379, ClinGen allele CA7170066.